The following is an entry in ClinVar:

ClinVar aggregate classification (germline): Uncertain significance. Review status: criteria provided, multiple submitters, no conflicts (2 of 4 stars). 3 submissions from 3 submitters: Uncertain significance (3). Last evaluated 2025-12-10.

Conditions:
Neurofibromatosis, type 2 (SWNV). Also called: SCHWANNOMATOSIS, VESTIBULAR; BILATERAL ACOUSTIC NEUROFIBROMATOSIS; NF2-Related Schwannomatosis. Identifiers: Orphanet 637, MedGen C0027832, MONDO:0007039, OMIM 101000. Disease mechanism: loss of function.
Hereditary cancer-predisposing syndrome. Also called: Hereditary neoplastic syndrome; Neoplastic Syndromes, Hereditary; Tumor predisposition; Hereditary Cancer Syndrome. Identifiers: Orphanet 140162, MedGen C0027672, MeSH D009386, MONDO:0015356.

Allele frequency attached by ClinVar (database versions not stated): gnomAD exomes below 0.00001; gnomAD 0.00001.
gnomAD v4.1: 3 of 1,613,992 alleles (0.00019%); highest among the groups gnomAD compares: Non-Finnish European, 0.00025%; no homozygotes.

Submissions (3):

Labcorp Genetics (formerly Invitae), Labcorp
Classification: Uncertain significance for Neurofibromatosis, type 2. Last evaluated: 2025-12-10. Review status: criteria provided, single submitter. Criteria: Invitae Variant Classification Sherloc (09022015). Collection method: clinical testing. Allele origin: germline.
Comment: This sequence change replaces lysine, which is basic and polar, with arginine, which is basic and polar, at codon 510 of the NF2 protein (p.Lys510Arg). This variant is present in population databases (no rsID available, gnomAD 0.007%). This variant has not been reported in the literature in individuals affected with NF2-related conditions. ClinVar contains an entry for this variant (Variation ID: 341074). Invitae Evidence Modeling of protein sequence and biophysical properties (such as structural, functional, and spatial information, amino acid conservation, physicochemical variation, residue mobility, and thermodynamic stability) indicates that this missense variant is not expected to disrupt NF2 protein function with a negative predictive value of 80%. In summary, the available evidence is currently insufficient to determine the role of this variant in disease. Therefore, it has been classified as a Variant of Uncertain Significance.

Ambry Genetics
Classification: Uncertain significance for Hereditary cancer-predisposing syndrome. Last evaluated: 2025-01-05. Review status: criteria provided, single submitter. Criteria: Ambry Variant Classification Scheme 2023. Collection method: clinical testing. Allele origin: germline.
Comment: The p.K510R variant (also known as c.1529A>G), located in coding exon 14 of the NF2 gene, results from an A to G substitution at nucleotide position 1529. The lysine at codon 510 is replaced by arginine, an amino acid with highly similar properties. This amino acid position is highly conserved in available vertebrate species. In addition, the in silico prediction for this alteration is inconclusive. Since supporting evidence is limited at this time, the clinical significance of this alteration remains unclear.

Illumina Laboratory Services, Illumina
Classification: Uncertain significance for Neurofibromatosis, type 2. Last evaluated: 2018-01-13. Review status: criteria provided, single submitter. Criteria: ICSL Variant Classification Criteria 13 December 2019. Collection method: clinical testing. Allele origin: germline.

NM_000268.4(NF2):c.1529A>G (p.Lys510Arg)

Gene: NF2 (NF2, moesin-ezrin-radixin like (MERLIN) tumor suppressor; plus strand). Cytogenetic location: 22q12.2.
Variant type: single nucleotide variant.
Coding change: c.1529A>G on transcript NM_000268.4 (MANE Select); coding-DNA position 1529, A replaced by G.
Protein change: p.Lys510Arg; replaces lysine 510 with arginine.
Molecular consequence: missense variant. On other transcripts: non-coding transcript variant (1), intron variant (1).
Genome position (GRCh38, 1-based): chr22:29,678,278, A>G. VCF-style: chr22-29678278-A-G. GRCh37 (hg19) VCF-style: chr22-30074267-A-G.
Other names: c.1403A>G, p.Lys468Arg (NM_181828.3); c.1406A>G, p.Lys469Arg (NM_181829.3); c.1280A>G, p.Lys427Arg (NM_181830.3, NM_181831.3); c.1529A>G, p.Lys510Arg (NM_181832.3, NM_016418.5, NM_181825.3); c.448-16474A>G (NM_181833.3); short protein forms K510R, K427R, K468R, K469R.
Identifiers: ClinVar variation 341074 (VCV000341074.13), dbSNP rs886057337, ClinGen allele CA10653290.